The following is an entry in ClinVar:

ClinVar aggregate classification (germline): Benign/Likely benign. Review status: criteria provided, multiple submitters, no conflicts (2 of 4 stars). 10 submissions from 10 submitters: Benign (2); Likely benign (5). 3 of the submissions do not count toward it. Last evaluated 2025-12-31.

Conditions:
ALDH1A3-related disorder. Also called: ALDH1A3-related condition.
Isolated microphthalmia 8. Identifiers: Orphanet 2542, MedGen C3554524, MONDO:0014050, OMIM 615113.

Allele frequency attached by ClinVar (database versions not stated): 1000 Genomes Project 0.00200; 1000 Genomes Project 30x 0.00265; ExAC 0.00339; ESP Exome Variant Server 0.00373; gnomAD exomes 0.00463 and 0.00902; gnomAD 0.00528 and 0.00590; TOPMed 0.00581.
gnomAD v4.1: 12,650 of 1,472,488 alleles (0.86%); highest among the groups gnomAD compares: Non-Finnish European, 1.1%; 81 homozygotes.

Submissions (10):

Labcorp Genetics (formerly Invitae), Labcorp
Classification: Benign for Isolated microphthalmia 8. Last evaluated: 2025-12-31. Review status: criteria provided, single submitter. Criteria: Invitae Variant Classification Sherloc (09022015). Collection method: clinical testing. Allele origin: germline.

Blueprint Genetics
Classification: Likely benign. Last evaluated: 2024-11-08. Review status: criteria provided, single submitter. Criteria: ACMG Guidelines, 2015. Collection method: clinical testing. Allele origin: germline.

CeGaT Center for Human Genetics Tuebingen
Classification: Likely benign. Last evaluated: 2023-03-01. Review status: criteria provided, single submitter. Criteria: CeGaT Center For Human Genetics Tuebingen Variant Classification Criteria Version 2. Collection method: clinical testing. Allele origin: germline. Affected: yes. Observed: 1 variant allele.
Comment: ALDH1A3: BS2

Fulgent Genetics
Classification: Likely benign for Isolated microphthalmia 8. Last evaluated: 2022-01-24. Review status: criteria provided, single submitter. Criteria: ACMG Guidelines, 2015. Collection method: clinical testing. Allele origin: unknown.

GeneDx
Classification: Benign. Last evaluated: 2020-07-28. Review status: criteria provided, single submitter. Criteria: GeneDx Variant Classification Process June 2021. Collection method: clinical testing. Allele origin: germline. Affected: yes.

Center for Pediatric Genomic Medicine, Children's Mercy Hospital and Clinics
Classification: Likely benign. Last evaluated: 2016-05-09. Review status: criteria provided, single submitter. Criteria: ACMG Guidelines, 2015. Collection method: clinical testing. Allele origin: germline.
ClinVar note: Converted during submission from Likely Benign to Likely benign.

Breakthrough Genomics
Classification: Likely benign. Review status: criteria provided, single submitter. Criteria: ACMG Guidelines, 2015. Collection method: not provided. Allele origin: germline. Inheritance: Autosomal recessive inheritance. Affected: yes.

PreventionGenetics, part of Exact Sciences
Classification: Benign for ALDH1A3-related condition. Last evaluated: 2019-07-30. Review status: no assertion criteria provided. Collection method: clinical testing. Allele origin: germline. Not counted in ClinVar's aggregate classification.
Comment: This variant is classified as benign based on ACMG/AMP sequence variant interpretation guidelines (Richards et al. 2015 PMID: 25741868, with internal and published modifications).

Clinical Genetics DNA and cytogenetics Diagnostics Lab, Erasmus MC, Erasmus Medical Center
Classification: Likely benign. Review status: no assertion criteria provided. Collection method: clinical testing. Allele origin: germline. Affected: yes. Study: VKGL Data-share Consensus. Not counted in ClinVar's aggregate classification.

Laboratory of Diagnostic Genome Analysis, Leiden University Medical Center (LUMC)
Classification: Likely benign. Review status: no assertion criteria provided. Collection method: clinical testing. Allele origin: germline. Affected: yes. Study: VKGL Data-share Consensus. Not counted in ClinVar's aggregate classification.

NM_000693.4(ALDH1A3):c.43A>G (p.Arg15Gly)

Gene: ALDH1A3 (aldehyde dehydrogenase 1 family member A3; plus strand). Cytogenetic location: 15q26.3.
Variant type: single nucleotide variant.
Coding change: c.43A>G on transcript NM_000693.4 (MANE Select); coding-DNA position 43, A replaced by G.
Protein change: p.Arg15Gly; replaces arginine 15 with glycine.
Molecular consequence: missense variant.
Genome position (GRCh38, 1-based): chr15:100,879,950, A>G. VCF-style: chr15-100879950-A-G. GRCh37 (hg19) VCF-style: chr15-101420155-A-G.
Other names: c.43A>G, p.Arg15Gly (NM_001293815.2); short protein forms R15G.
Identifiers: ClinVar variation 235693 (VCV000235693.45), dbSNP rs1130737, ClinGen allele CA7759956.